The following is an entry in ClinVar:

NM_001367624.2(ZNF469):c.8048G>A (p.Gly2683Glu)

Gene: ZNF469 (zinc finger protein 469; plus strand). Cytogenetic location: 16q24.2.
Variant type: single nucleotide variant.
Coding change: c.8048G>A on transcript NM_001367624.2 (MANE Select); coding-DNA position 8048, G replaced by A.
Protein change: p.Gly2683Glu; replaces glycine 2683 with glutamic acid.
Molecular consequence: missense variant.
Genome position (GRCh38, 1-based): chr16:88,435,518, G>A. VCF-style: chr16-88435518-G-A. GRCh37 (hg19) VCF-style: chr16-88501926-G-A.
Other names: NM_001127464.1:c.7964G>A; short protein forms G2683E.
Identifiers: ClinVar variation 1339824 (VCV001339824.8), dbSNP rs912981227, ClinGen allele CA397115736.

ClinVar aggregate classification (germline): Uncertain significance (1 of 4 stars; one submission).

Conditions:
Brittle cornea syndrome 1 (BCS1). Also called: DYSGENESIS MESODERMALIS CORNEAE ET SCLERAE; Corneal fragility keratoglobus, blue sclerae AND joint hypermobility; CORNEAL FRAGILITY, KERATOGLOBUS, BLUE SCLERAE, JOINT HYPEREXTENSIBILITY; EDS6B; FRAGILITAS OCULI WITH JOINT HYPEREXTENSIBILITY. Identifiers: Orphanet 90354, MedGen C0268344, MONDO:0024543, OMIM 229200.

gnomAD v4.1: 2 of 1,549,334 alleles (0.00013%); highest among the groups gnomAD compares: Non-Finnish European, 0.00017%; no homozygotes.

Submission:

Labcorp Genetics (formerly Invitae), Labcorp
Classification: Uncertain significance. Last evaluated: 2022-10-17. Review status: criteria provided, single submitter. Criteria: Invitae Variant Classification Sherloc (09022015). Collection method: clinical testing. Allele origin: germline.
Comment: ClinVar contains an entry for this variant (Variation ID: 1339824). This variant has not been reported in the literature in individuals affected with ZNF469-related conditions. This variant is present in population databases (no rsID available, gnomAD 0.007%). This sequence change replaces glycine, which is neutral and non-polar, with glutamic acid, which is acidic and polar, at codon 2655 of the ZNF469 protein (p.Gly2655Glu). Algorithms developed to predict the effect of missense changes on protein structure and function output the following: SIFT: "Tolerated"; PolyPhen-2: "Benign"; Align-GVGD: "Class C0". The glutamic acid amino acid residue is found in multiple mammalian species, which suggests that this missense change does not adversely affect protein function. In summary, the available evidence is currently insufficient to determine the role of this variant in disease. Therefore, it has been classified as a Variant of Uncertain Significance.